The following is an entry in ClinVar:

NM_000260.4(MYO7A):c.5095C>G (p.Gln1699Glu)

Gene: MYO7A (myosin VIIA; plus strand). Cytogenetic location: 11q13.5.
Variant type: single nucleotide variant.
Coding change: c.5095C>G on transcript NM_000260.4 (MANE Select); coding-DNA position 5095, C replaced by G.
Protein change: p.Gln1699Glu; replaces glutamine 1699 with glutamic acid.
Molecular consequence: missense variant.
Genome position (GRCh38, 1-based): chr11:77,202,351, C>G. VCF-style: chr11-77202351-C-G. GRCh37 (hg19) VCF-style: chr11-76913396-C-G.
Other names: c.4981C>G, p.Gln1661Glu (NM_001127180.2); c.4948C>G, p.Gln1650Glu (NM_001369365.1); short protein forms Q1699E, Q1650E, Q1661E.
Identifiers: ClinVar variation 178932 (VCV000178932.13), dbSNP rs530520654, ClinGen allele CA183341.

ClinVar aggregate classification (germline): Uncertain significance. Review status: criteria provided, multiple submitters, no conflicts (2 of 4 stars). 7 submissions from 7 submitters: Uncertain significance (5). 2 of the submissions do not count toward it. Last evaluated 2025-11-07.

Conditions:
Inborn genetic diseases. Identifiers: MedGen C0950123, MeSH D030342.
Usher syndrome type 1B (USH1B). Also called: Usher syndrome type IB. Identifiers: MedGen C1848638, MONDO:0700087.
Autosomal dominant nonsyndromic hearing loss 11. Identifiers: Orphanet 90635, MedGen C1832475, MONDO:0011032, OMIM 601317.
Usher syndrome type 1 (USH1). Also called: RETINITIS PIGMENTOSA AND CONGENITAL DEAFNESS. Identifiers: Orphanet 231169, Orphanet 886, MedGen C1568247, MONDO:0010168, OMIM 276900.
Autosomal recessive nonsyndromic hearing loss 2. Also called: NEUROSENSORY NONSYNDROMIC RECESSIVE DEAFNESS 2; DEAFNESS, AUTOSOMAL RECESSIVE 2. Identifiers: Orphanet 90636, MedGen C1838701, MONDO:0010807, OMIM 600060.

Allele frequency attached by ClinVar (database versions not stated): gnomAD exomes 0.00001; gnomAD 0.00004 and 0.00005; TOPMed 0.00006; 1000 Genomes Project 30x 0.00016; 1000 Genomes Project 0.00020.
gnomAD v4.1: 12 of 1,574,738 alleles (0.00076%); highest among the groups gnomAD compares: Middle Eastern, 0.017%; no homozygotes.

Submissions (7):

Ambry Genetics
Classification: Uncertain significance for Inborn genetic diseases. Last evaluated: 2025-11-07. Review status: criteria provided, single submitter. Criteria: Ambry Variant Classification Scheme 2023. Collection method: clinical testing. Allele origin: germline.

Labcorp Genetics (formerly Invitae), Labcorp
Classification: Uncertain significance. Last evaluated: 2022-11-22. Review status: criteria provided, single submitter. Criteria: Invitae Variant Classification Sherloc (09022015). Collection method: clinical testing. Allele origin: germline.
Comment: In summary, the available evidence is currently insufficient to determine the role of this variant in disease. Therefore, it has been classified as a Variant of Uncertain Significance. Advanced modeling of protein sequence and biophysical properties (such as structural, functional, and spatial information, amino acid conservation, physicochemical variation, residue mobility, and thermodynamic stability) performed at Invitae indicates that this missense variant is not expected to disrupt MYO7A protein function. ClinVar contains an entry for this variant (Variation ID: 178932). This variant has not been reported in the literature in individuals affected with MYO7A-related conditions. The frequency data for this variant in the population databases is considered unreliable, as metrics indicate poor data quality at this position in the gnomAD database. This sequence change replaces glutamine, which is neutral and polar, with glutamic acid, which is acidic and polar, at codon 1699 of the MYO7A protein (p.Gln1699Glu).

Fulgent Genetics
Classification: Uncertain significance for Usher syndrome type 1; Autosomal recessive nonsyndromic hearing loss 2; Autosomal dominant nonsyndromic hearing loss 11. Last evaluated: 2021-08-13. Review status: criteria provided, single submitter. Criteria: ACMG Guidelines, 2015. Collection method: clinical testing. Allele origin: unknown.

Blueprint Genetics
Classification: Uncertain significance. Last evaluated: 2021-05-12. Review status: criteria provided, single submitter. Criteria: ACMG Guidelines, 2015. Collection method: clinical testing. Allele origin: germline.

Laboratory for Molecular Medicine, Mass General Brigham Personalized Medicine
Classification: Uncertain significance. Last evaluated: 2013-05-13. Review status: criteria provided, single submitter. Criteria: LMM Criteria. Collection method: clinical testing. Allele origin: germline. Observed: 1 variant allele.
Comment: Variant classified as Uncertain Significance - Favor Benign. The Gln1699Glu vari ant in MYO7A has not been reported in individuals with hearing loss. Computation al analyses (biochemical amino acid properties, conservation, AlignGVGD, PolyPhe n2, and SIFT) suggest that the Gln1699Glu variant may not impact the protein, th ough this information is not predictive enough to rule out pathogenicity. In sum mary, the clinical significance of this variant cannot be determined with certai nty; however, based upon the computational data, we lean towards a more likely b enign role.

Natera, Inc.
Classification: Uncertain significance for Usher syndrome type 1B. Last evaluated: 2020-09-16. Review status: no assertion criteria provided. Collection method: clinical testing. Allele origin: germline. Not counted in ClinVar's aggregate classification.

Counsyl
Classification: Uncertain significance for Usher syndrome type 1; Autosomal recessive nonsyndromic hearing loss 2. Last evaluated: 2017-04-04. Review status: no assertion criteria provided. Collection method: clinical testing. Allele origin: unknown. Not counted in ClinVar's aggregate classification.